The following is an entry in ClinVar:

ClinVar aggregate classification (germline): Uncertain significance (1 of 4 stars; one submission).

Allele frequency attached by ClinVar (database versions not stated): gnomAD exomes below 0.00001.
gnomAD v4.1: 1 of 1,611,794 alleles (0.000062%); highest among the groups gnomAD compares: Non-Finnish European, 0.000085%; no homozygotes.

Submission:

Labcorp Genetics (formerly Invitae), Labcorp
Classification: Uncertain significance. Last evaluated: 2022-12-06. Review status: criteria provided, single submitter. Criteria: Invitae Variant Classification Sherloc (09022015). Collection method: clinical testing. Allele origin: germline.
Comment: This sequence change falls in intron 12 of the LTBP2 gene. It does not directly change the encoded amino acid sequence of the LTBP2 protein. It affects a nucleotide within the consensus splice site. This variant is not present in population databases (gnomAD no frequency). This variant has not been reported in the literature in individuals affected with LTBP2-related conditions. ClinVar contains an entry for this variant (Variation ID: 1461589). Variants that disrupt the consensus splice site are a relatively common cause of aberrant splicing (PMID: 17576681, 9536098). Algorithms developed to predict the effect of sequence changes on RNA splicing suggest that this variant may disrupt the consensus splice site. In summary, the available evidence is currently insufficient to determine the role of this variant in disease. Therefore, it has been classified as a Variant of Uncertain Significance.

Literature cited by the submitters: PubMed 17576681; PubMed 9536098.

NM_000428.3(LTBP2):c.2368+3A>G

Gene: LTBP2 (latent transforming growth factor beta binding protein 2; minus strand). Cytogenetic location: 14q24.3.
Variant type: single nucleotide variant.
Coding change: c.2368+3A>G on transcript NM_000428.3 (MANE Select); 3 bases into the intron after coding-DNA position 2368, A replaced by G.
Molecular consequence: intron variant.
Genome position (GRCh38, 1-based): chr14:74,528,480, T>C on the plus strand (A>G on the coding strand, the complement: LTBP2 is on the minus strand). VCF-style: chr14-74528480-T-C. GRCh37 (hg19) VCF-style: chr14-74995183-T-C.
Identifiers: ClinVar variation 1461589 (VCV001461589.6), dbSNP rs2139718435, ClinGen allele CA2573150275.
Genomic context (GRCh38, chr14:74,528,480, plus strand): 5'-TCTGAGGTGCTGGAAACTTAGGGGAAAGGAAAATCCCTCAGGCATCTCCCCCAGCTCAGA[T>C]ACCCTTGTCAGGGATGGTCCCGGCCTCAAGCCAGGTGTCCGTGACGACCCGGAGGGGCTG-3'